The following is an entry in ClinVar:

ClinVar aggregate classification (germline): Uncertain significance (1 of 4 stars; one submission).

Submission:

Labcorp Genetics (formerly Invitae), Labcorp
Classification: Uncertain significance. Last evaluated: 2022-03-23. Review status: criteria provided, single submitter. Criteria: Invitae Variant Classification Sherloc (09022015). Collection method: clinical testing. Allele origin: germline.
Comment: In summary, the available evidence is currently insufficient to determine the role of this variant in disease. Therefore, it has been classified as a Variant of Uncertain Significance. Experimental studies and prediction algorithms are not available or were not evaluated, and the functional significance of this variant is currently unknown. This variant has not been reported in the literature in individuals affected with POLE-related conditions. This variant is not present in population databases (gnomAD no frequency). This variant, c.1770_1778del, results in the deletion of 3 amino acid(s) of the POLE protein (p.Glu591_Val593del), but otherwise preserves the integrity of the reading frame.

NM_006231.4(POLE):c.1770_1778del (p.Glu591_Val593del)

Gene: POLE (DNA polymerase epsilon, catalytic subunit; minus strand). Cytogenetic location: 12q24.33.
Variant type: Deletion.
Coding change: c.1770_1778del on transcript NM_006231.4 (MANE Select); coding-DNA positions 1770 to 1778, 9 bases deleted (GGAGCAAGT; older notation c.1770_1778delGGAGCAAGT).
Protein change: p.Glu591_Val593del.
Molecular consequence: inframe deletion.
Genome position (GRCh38, 1-based): chr12:132,672,231-132,672,239, ACTTGCTCC deleted on the plus strand (GGAGCAAGT on the coding strand, the reverse complement: POLE is on the minus strand); deleting any 9 consecutive bases within chr12:132,672,231-132,672,241 gives the same sequence; the c. name uses the placement nearest the transcript's 3' end. VCF-style (leftmost placement, unchanged base first): chr12-132672230-GACTTGCTCC-G. GRCh37 (hg19) VCF-style: chr12-133248816-GACTTGCTCC-G.
Identifiers: ClinVar variation 2116088 (VCV002116088.4), dbSNP rs2542127697, ClinGen allele CA2580085976.